The following is an entry in ClinVar:

NM_001143981.2(CHRDL1):c.87dup (p.Val30fs)

Gene: CHRDL1 (chordin like 1; minus strand). Cytogenetic location: Xq23.
Variant type: Duplication.
Coding change: c.87dup on transcript NM_001143981.2 (MANE Select); coding-DNA position 87, one base duplicated (A; older notation c.87dupA).
Protein change: p.Val30fs; shifts the reading frame from valine 30.
Molecular consequence: frameshift variant. On other transcripts: non-coding transcript variant (1).
Genome position (GRCh38, 1-based): chrX:110,792,095, T duplicated on the plus strand (A on the coding strand, the reverse complement: CHRDL1 is on the minus strand); the first of 2 consecutive T bases (chrX:110,792,095-110,792,096); duplicating either gives the same sequence. VCF-style (leftmost placement, unchanged base first): chrX-110792094-C-CT. GRCh37 (hg19) VCF-style: chrX-110035322-C-CT.
Other names: c.87dup, p.Val30fs (NM_001143982.2, NM_001143983.3, NM_001367204.1 and 6 more transcripts); short protein forms V30fs.
Identifiers: ClinVar variation 4813646 (VCV004813646.1).

ClinVar aggregate classification (germline): Likely pathogenic (1 of 4 stars; one submission).

Conditions:
Isolated congenital megalocornea (MGC1). Identifiers: Orphanet 91489, MedGen C4518341, MONDO:0010649, OMIM 309300.

Submission:

Sección de Genética, Servicio de Análisis Clínicos, Consorcio Hospital General Universitario de Valencia
Classification: Likely pathogenic for Isolated congenital megalocornea. Last evaluated: 2026-02-05. Review status: criteria provided, single submitter. Criteria: ACMG Guidelines, 2015. Collection method: provider interpretation. Allele origin: unknown. Inheritance: X-linked recessive inheritance. Affected: yes. Observed: 2 variant alleles.
Comment: This variant isn't listed in the dbSNP database and also not in the gnomAD population frequency database. Note: This variant was found in clinical genetic testing performed by one or more labs who may also submit to ClinVar. Therefore, any internal case data may overlap with the internal case data of other submitters.